The following is an entry in ClinVar:

ClinVar aggregate classification (germline): Uncertain significance. Review status: criteria provided, multiple submitters, no conflicts (2 of 4 stars). 2 submissions from 2 submitters: Uncertain significance (2). Last evaluated 2023-09-01.

Allele frequency attached by ClinVar (database versions not stated): gnomAD exomes below 0.00001; TOPMed below 0.00001; gnomAD 0.00001.

Submissions (2):

CeGaT Center for Human Genetics Tuebingen
Classification: Uncertain significance. Last evaluated: 2023-09-01. Review status: criteria provided, single submitter. Criteria: CeGaT Center For Human Genetics Tuebingen Variant Classification Criteria Version 2. Collection method: clinical testing. Allele origin: germline. Affected: yes. Observed: 1 variant allele.
Comment: CACNA1G: PP2

Labcorp Genetics (formerly Invitae), Labcorp
Classification: Uncertain significance. Last evaluated: 2023-01-13. Review status: criteria provided, single submitter. Criteria: Invitae Variant Classification Sherloc (09022015). Collection method: clinical testing. Allele origin: germline.
Comment: This sequence change replaces serine, which is neutral and polar, with asparagine, which is neutral and polar, at codon 267 of the CACNA1G protein (p.Ser267Asn). The frequency data for this variant in the population databases is considered unreliable, as metrics indicate poor data quality at this position in the gnomAD database. This variant has not been reported in the literature in individuals affected with CACNA1G-related conditions. Advanced modeling of protein sequence and biophysical properties (such as structural, functional, and spatial information, amino acid conservation, physicochemical variation, residue mobility, and thermodynamic stability) performed at Invitae indicates that this missense variant is not expected to disrupt CACNA1G protein function. In summary, the available evidence is currently insufficient to determine the role of this variant in disease. Therefore, it has been classified as a Variant of Uncertain Significance.

NM_018896.5(CACNA1G):c.800G>A (p.Ser267Asn)

Gene: CACNA1G (calcium voltage-gated channel subunit alpha1 G; plus strand). Cytogenetic location: 17q21.33.
Variant type: single nucleotide variant.
Coding change: c.800G>A on transcript NM_018896.5 (MANE Select); coding-DNA position 800, G replaced by A.
Protein change: p.Ser267Asn; replaces serine 267 with asparagine.
Molecular consequence: missense variant. On other transcripts: non-coding transcript variant (5).
Genome position (GRCh38, 1-based): chr17:50,572,607, G>A. VCF-style: chr17-50572607-G-A. GRCh37 (hg19) VCF-style: chr17-48649968-G-A.
Other names: c.800G>A, p.Ser267Asn (NM_001256359.2, NM_001256360.2, NM_001256361.2 and 24 more transcripts); short protein forms S267N.
Identifiers: ClinVar variation 2647898 (VCV002647898.27), dbSNP rs1251604128, ClinGen allele CA400231416.